The following is an entry in ClinVar:

ClinVar aggregate classification (germline): Likely benign (0 of 4 stars; one submission).

Conditions:
BMPR1B-related disorder. Also called: BMPR1B-related condition.

Allele frequency attached by ClinVar (database versions not stated): gnomAD exomes 0.00016; 1000 Genomes Project 30x 0.00125; 1000 Genomes Project 0.00140; gnomAD 0.00184; TOPMed 0.00193.
gnomAD v4.1: 490 of 1,535,618 alleles (0.032%); highest among the groups gnomAD compares: African/African-American, 0.63%; 1 homozygote.

Submission:

PreventionGenetics, part of Exact Sciences
Classification: Likely benign for BMPR1B-related condition. Last evaluated: 2019-11-25. Review status: no assertion criteria provided. Collection method: clinical testing. Allele origin: germline.
Comment: This variant is classified as likely benign based on ACMG/AMP sequence variant interpretation guidelines (Richards et al. 2015 PMID: 25741868, with internal and published modifications).

NM_001203.3(BMPR1B):c.-17-52679G>A

Gene: BMPR1B (bone morphogenetic protein receptor type 1B; plus strand). Cytogenetic location: 4q22.3.
Variant type: single nucleotide variant.
Coding change: c.-17-52679G>A on transcript NM_001203.3 (MANE Select); 52679 bases into the intron before 17 bases upstream of the start codon, G replaced by A.
Molecular consequence: intron variant. On other transcripts: synonymous variant (1).
Genome position (GRCh38, 1-based): chr4:95,051,729, G>A. VCF-style: chr4-95051729-G-A. GRCh37 (hg19) VCF-style: chr4-95972880-G-A.
Other names: c.30G>A, p.Gln10= (NM_001256793.2); c.-17-52679G>A (NM_001256792.2).
Identifiers: ClinVar variation 3055277 (VCV003055277.2), dbSNP rs527871121, ClinGen allele CA102306186.